The following is an entry in ClinVar:

ClinVar aggregate classification (germline): Uncertain significance (1 of 4 stars; one submission).

Conditions:
Xeroderma pigmentosum, group F (XPF). Also called: XERODERMA PIGMENTOSUM, COMPLEMENTATION GROUP F; XERODERMA PIGMENTOSUM, TYPE F; Xeroderma pigmentosum, type 6; XERODERMA PIGMENTOSUM VI; XP, GROUP F; ERCC4-Related Xeroderma Pigmentosum. Identifiers: MedGen C0268140, MONDO:0010215, OMIM 278760.
Cockayne syndrome. Identifiers: Orphanet 191, MedGen C0009207, MONDO:0016006.
Fanconi anemia complementation group Q. Identifiers: Orphanet 84, MedGen C3808988, MONDO:0014108, OMIM 615272.

gnomAD v4.1: 1 of 1,613,452 alleles (0.000062%); highest among the groups gnomAD compares: South Asian, 0.0011%; no homozygotes.

Submission:

Labcorp Genetics (formerly Invitae), Labcorp
Classification: Uncertain significance for Fanconi anemia complementation group Q; Xeroderma pigmentosum, group F; Cockayne syndrome. Last evaluated: 2025-01-22. Review status: criteria provided, single submitter. Criteria: Invitae Variant Classification Sherloc (09022015). Collection method: clinical testing. Allele origin: germline.
Comment: This sequence change replaces isoleucine, which is neutral and non-polar, with leucine, which is neutral and non-polar, at codon 107 of the ERCC4 protein (p.Ile107Leu). This variant is present in population databases (rs752008977, gnomAD 0.003%). This variant has not been reported in the literature in individuals affected with ERCC4-related conditions. Invitae Evidence Modeling of protein sequence and biophysical properties (such as structural, functional, and spatial information, amino acid conservation, physicochemical variation, residue mobility, and thermodynamic stability) indicates that this missense variant is not expected to disrupt ERCC4 protein function with a negative predictive value of 80%. In summary, the available evidence is currently insufficient to determine the role of this variant in disease. Therefore, it has been classified as a Variant of Uncertain Significance.

NM_005236.3(ERCC4):c.319A>T (p.Ile107Leu)

Gene: ERCC4 (ERCC excision repair 4, endonuclease catalytic subunit; plus strand). Cytogenetic location: 16p13.12.
Variant type: single nucleotide variant.
Coding change: c.319A>T on transcript NM_005236.3 (MANE Select); coding-DNA position 319, A replaced by T.
Protein change: p.Ile107Leu; replaces isoleucine 107 with leucine.
Molecular consequence: missense variant.
Genome position (GRCh38, 1-based): chr16:13,922,142, A>T. VCF-style: chr16-13922142-A-T. GRCh37 (hg19) VCF-style: chr16-14015999-A-T.
Other names: short protein forms I107L.
Identifiers: ClinVar variation 3758761 (VCV003758761.2).
Genomic context (GRCh38, chr16:13,922,142, plus strand): 5'-CGTGTAACAAATGAAATCACAAGCAACAGTCGCTATGAAGTTTACACACAAGGTGGTGTT[A>T]TATTTGCGACAAGTAGGATACTTGTGGTTGACTTCTTGACTGATAGAATACCTTCAGATT-3'
Protein context (NP_005227.1, residues 97-117): RYEVYTQGGV[Ile107Leu]FATSRILVVD